The following is an entry in ClinVar:

NM_001042424.3(NSD2):c.1760C>T (p.Thr587Met)

Gene: NSD2 (nuclear receptor binding SET domain protein 2; plus strand). Cytogenetic location: 4p16.3.
Variant type: single nucleotide variant.
Coding change: c.1760C>T on transcript NM_001042424.3 (MANE Select); coding-DNA position 1760, C replaced by T.
Protein change: p.Thr587Met; replaces threonine 587 with methionine.
Molecular consequence: missense variant.
Genome position (GRCh38, 1-based): chr4:1,939,657, C>T. VCF-style: chr4-1939657-C-T. GRCh37 (hg19) VCF-style: chr4-1941384-C-T.
Other names: c.1760C>T, p.Thr587Met (NM_007331.2, NM_133330.3, NM_133331.3 and 2 more transcripts); short protein forms T587M.
Identifiers: ClinVar variation 1906395 (VCV001906395.6), dbSNP rs763851539, ClinGen allele CA2812229.
Genomic context (GRCh38, chr4:1,939,657, plus strand): 5'-AGTAAAAAGATCAAGGGTTTATGATTTGAAACTTTACAAACCAAAATTATTTTACAGCAA[C>T]GAAAAATCTGTCTGATGCATGTAAACCACTGAAGAAGCGAAATCGGGCTTCCACGGCAGC-3'
Protein context (NP_001035889.1, residues 577-597): AASSLKSQAA[Thr587Met]KNLSDACKPL

ClinVar aggregate classification (germline): Conflicting classifications of pathogenicity. Review status: criteria provided, conflicting classifications (1 of 4 stars). 2 submissions from 2 submitters: Uncertain significance (1); Likely benign (1). Last evaluated 2022-10-03.

Conditions:
Inborn genetic diseases. Identifiers: MedGen C0950123, MeSH D030342.

Allele frequency attached by ClinVar (database versions not stated): gnomAD 0.00001; TOPMed 0.00002.
gnomAD v4.1: 24 of 1,613,858 alleles (0.0015%); highest among the groups gnomAD compares: East Asian, 0.0045%; no homozygotes.

Submissions (2):

Labcorp Genetics (formerly Invitae), Labcorp
Classification: Uncertain significance. Last evaluated: 2022-10-03. Review status: criteria provided, single submitter. Criteria: Invitae Variant Classification Sherloc (09022015). Collection method: clinical testing. Allele origin: germline.
Comment: Advanced modeling of protein sequence and biophysical properties (such as structural, functional, and spatial information, amino acid conservation, physicochemical variation, residue mobility, and thermodynamic stability) performed at Invitae indicates that this missense variant is not expected to disrupt WHSC1 protein function. In summary, the available evidence is currently insufficient to determine the role of this variant in disease. Therefore, it has been classified as a Variant of Uncertain Significance. This variant has not been reported in the literature in individuals affected with WHSC1-related conditions. This variant is present in population databases (rs763851539, gnomAD 0.006%). This sequence change replaces threonine, which is neutral and polar, with methionine, which is neutral and non-polar, at codon 587 of the WHSC1 protein (p.Thr587Met).

Ambry Genetics
Classification: Likely benign for Inborn genetic diseases. Last evaluated: 2022-09-06. Review status: criteria provided, single submitter. Criteria: Ambry Variant Classification Scheme 2023. Collection method: clinical testing. Allele origin: germline.